The following is an entry in ClinVar:

ClinVar aggregate classification (germline): Uncertain significance (1 of 4 stars; one submission).

Conditions:
Neuroblastoma, susceptibility to, 3. Also called: ALK-Related Neuroblastic Tumor Susceptibility. Identifiers: Orphanet 635, MedGen C2751681, MONDO:0013083, OMIM 613014.

Allele frequency attached by ClinVar (database versions not stated): gnomAD exomes below 0.00001; TOPMed below 0.00001.
gnomAD v4.1: 1 of 1,614,178 alleles (0.000062%); highest among the groups gnomAD compares: Non-Finnish European, 0.000085%; no homozygotes.

Submission:

Labcorp Genetics (formerly Invitae), Labcorp
Classification: Uncertain significance for Neuroblastoma, susceptibility to, 3. Last evaluated: 2022-01-05. Review status: criteria provided, single submitter. Criteria: Invitae Variant Classification Sherloc (09022015). Collection method: clinical testing. Allele origin: germline.
Comment: ClinVar contains an entry for this variant (Variation ID: 1009502). This variant has not been reported in the literature in individuals affected with ALK-related conditions. This variant is not present in population databases (gnomAD no frequency). This sequence change creates a premature translational stop signal (p.Trp1510*) in the ALK gene. While this is not anticipated to result in nonsense mediated decay, it is expected to disrupt the last 111 amino acid(s) of the ALK protein. Algorithms developed to predict the effect of sequence changes on RNA splicing suggest that this variant may create or strengthen a splice site. In summary, the available evidence is currently insufficient to determine the role of this variant in disease. Therefore, it has been classified as a Variant of Uncertain Significance.

NM_004304.5(ALK):c.4529G>A (p.Trp1510Ter)

Gene: ALK (ALK receptor tyrosine kinase; minus strand). Cytogenetic location: 2p23.2.
Variant type: single nucleotide variant.
Coding change: c.4529G>A on transcript NM_004304.5 (MANE Select); coding-DNA position 4529, G replaced by A.
Protein change: p.Trp1510Ter; replaces tryptophan 1510 with a stop codon.
Molecular consequence: nonsense.
Genome position (GRCh38, 1-based): chr2:29,193,558, C>T on the plus strand (G>A on the coding strand, the complement: ALK is on the minus strand). VCF-style: chr2-29193558-C-T. GRCh37 (hg19) VCF-style: chr2-29416424-C-T.
Other names: c.1325G>A, p.Trp442Ter (NM_001353765.2); short protein forms W1510*, W442*.
Identifiers: ClinVar variation 1009502 (VCV001009502.6), dbSNP rs928177802, ClinGen allele CA44634868.